The following is an entry in ClinVar:

NM_000051.4(ATM):c.3076T>C (p.Trp1026Arg)

Gene: ATM (ATM serine/threonine kinase; plus strand). Cytogenetic location: 11q22.3.
Variant type: single nucleotide variant.
Coding change: c.3076T>C on transcript NM_000051.4 (MANE Select); coding-DNA position 3076, T replaced by C.
Protein change: p.Trp1026Arg; replaces tryptophan 1026 with arginine.
Molecular consequence: missense variant.
Genome position (GRCh38, 1-based): chr11:108,271,405, T>C. VCF-style: chr11-108271405-T-C. GRCh37 (hg19) VCF-style: chr11-108142132-T-C.
Other names: c.3076T>C (NM_000051.3); c.3076T>C, p.Trp1026Arg (NM_001351834.2); short protein forms W1026R.
Identifiers: ClinVar variation 1061528 (VCV001061528.11), dbSNP rs2135555027, ClinGen allele CA382547710.

ClinVar aggregate classification (germline): Uncertain significance. Review status: criteria provided, multiple submitters, no conflicts (2 of 4 stars). 3 submissions from 3 submitters: Uncertain significance (3). Last evaluated 2025-12-29.

Conditions:
Ataxia-telangiectasia syndrome (AT). Also called: ATAXIA-TELANGIECTASIA, FRESNO VARIANT; Ataxia-telangiectasia, complementation group D; AT, COMPLEMENTATION GROUP C; Ataxia-telangiectasia; Ataxia-telangiectasia, complementation group E; Ataxia telangiectasia (A-T). Identifiers: Orphanet 100, MedGen C0004135, MONDO:0008840, OMIM 208900.
Hereditary cancer-predisposing syndrome. Also called: Tumor predisposition; Neoplastic Syndromes, Hereditary; Hereditary Cancer Syndrome; Hereditary neoplastic syndrome. Identifiers: Orphanet 140162, MedGen C0027672, MeSH D009386, MONDO:0015356.

Submissions (3):

Center for Genomic Medicine, Rigshospitalet, Copenhagen University Hospital
Classification: Uncertain significance. Last evaluated: 2025-12-29. Review status: criteria provided, single submitter. Criteria: ACMG Guidelines, 2015. Collection method: clinical testing. Allele origin: germline.

Ambry Genetics
Classification: Uncertain significance for Hereditary cancer-predisposing syndrome. Last evaluated: 2025-04-13. Review status: criteria provided, single submitter. Criteria: Ambry Variant Classification Scheme 2023. Collection method: clinical testing. Allele origin: germline.
Comment: The p.W1026R variant (also known as c.3076T>C), located in coding exon 19 of the ATM gene, results from a T to C substitution at nucleotide position 3076. The tryptophan at codon 1026 is replaced by arginine, an amino acid with dissimilar properties. This amino acid position is highly conserved in available vertebrate species. In addition, this alteration is predicted to be deleterious by in silico analysis. Based on the available evidence, the clinical significance of this variant remains unclear.

Labcorp Genetics (formerly Invitae), Labcorp
Classification: Uncertain significance for Ataxia-telangiectasia syndrome. Last evaluated: 2020-03-16. Review status: criteria provided, single submitter. Criteria: Invitae Variant Classification Sherloc (09022015). Collection method: clinical testing. Allele origin: germline.
Comment: In summary, the available evidence is currently insufficient to determine the role of this variant in disease. Therefore, it has been classified as a Variant of Uncertain Significance. Algorithms developed to predict the effect of missense changes on protein structure and function are either unavailable or do not agree on the potential impact of this missense change (SIFT: "Deleterious"; PolyPhen-2: "Possibly Damaging"; Align-GVGD: "Class C0"). This variant has not been reported in the literature in individuals with ATM-related conditions. This variant is not present in population databases (ExAC no frequency). This sequence change replaces tryptophan with arginine at codon 1026 of the ATM protein (p.Trp1026Arg). The tryptophan residue is highly conserved and there is a moderate physicochemical difference between tryptophan and arginine.